The following is an entry in ClinVar:

ClinVar aggregate classification (germline): Likely benign. Review status: criteria provided, multiple submitters, no conflicts (2 of 4 stars). 2 submissions from 2 submitters: Likely benign (2). Last evaluated 2026-09-02.

Conditions:
USH2A-related disorder. Also called: USH2A-related condition; USH2A-related disorders. Identifiers: MedGen CN239332.

Allele frequency attached by ClinVar (database versions not stated): gnomAD exomes 0.00002 and 0.00001; ExAC 0.00001.
gnomAD v4.1: 17 of 1,611,178 alleles (0.0011%); highest among the groups gnomAD compares: South Asian, 0.017%; no homozygotes.

Submissions (2):

PreventionGenetics, part of Exact Sciences
Classification: Likely benign for USH2A-related condition. Last evaluated: 2026-09-02. Review status: criteria provided, single submitter. Criteria: ACMG Guidelines, 2015. Collection method: clinical testing. Allele origin: germline.
Comment: This variant is classified as likely benign based on ACMG/AMP sequence variant interpretation guidelines (Richards et al. 2015 PMID: 25741868, with internal and published modifications).

Labcorp Genetics (formerly Invitae), Labcorp
Classification: Likely benign. Last evaluated: 2023-10-04. Review status: criteria provided, single submitter. Criteria: Invitae Variant Classification Sherloc (09022015). Collection method: clinical testing. Allele origin: germline.

NM_206933.4(USH2A):c.5168-10A>G

Genes: USH2A (usherin; minus strand), USH2A-AS2 (USH2A antisense RNA 2; plus strand). Cytogenetic location: 1q41.
Variant type: single nucleotide variant.
Coding change: c.5168-10A>G on transcript NM_206933.4 (MANE Select); 10 bases into the intron before coding-DNA position 5168, A replaced by G.
Molecular consequence: intron variant.
Genome position (GRCh38, 1-based): chr1:216,083,596, T>C on the plus strand (A>G on the coding strand, the complement: USH2A is on the minus strand). VCF-style: chr1-216083596-T-C. GRCh37 (hg19) VCF-style: chr1-216256938-T-C.
Other names: c.5168-10A>G (NM_206933.2).
Identifiers: ClinVar variation 1123925 (VCV001123925.10), dbSNP rs774689351, ClinGen allele CA1395509.